The following is an entry in ClinVar:

ClinVar aggregate classification (germline): Uncertain significance (1 of 4 stars; one submission).

Conditions:
Gastrointestinal stromal tumor. Also called: Gastrointestinal stroma tumor; Gastrointestinal stromal tumor, somatic. Identifiers: Orphanet 44890, MedGen C0238198, MeSH D046152, MONDO:0011719, OMIM 606764, HP:0100723.

Submission:

Labcorp Genetics (formerly Invitae), Labcorp
Classification: Uncertain significance for Gastrointestinal stromal tumor. Last evaluated: 2022-02-03. Review status: criteria provided, single submitter. Criteria: Invitae Variant Classification Sherloc (09022015). Collection method: clinical testing. Allele origin: germline.
Comment: This variant has not been reported in the literature in individuals affected with PDGFRA-related conditions. In summary, the available evidence is currently insufficient to determine the role of this variant in disease. Therefore, it has been classified as a Variant of Uncertain Significance. Variants that disrupt the consensus splice site are a relatively common cause of aberrant splicing (PMID: 17576681, 9536098). Algorithms developed to predict the effect of sequence changes on RNA splicing suggest that this variant may disrupt the consensus splice site. This variant is not present in population databases (gnomAD no frequency). This sequence change falls in intron 12 of the PDGFRA gene. It does not directly change the encoded amino acid sequence of the PDGFRA protein. It affects a nucleotide within the consensus splice site.

Literature cited by the submitters: PubMed 17576681; PubMed 9536098.

NM_006206.6(PDGFRA):c.1786+6T>C

Gene: PDGFRA (platelet derived growth factor receptor alpha; plus strand). Cytogenetic location: 4q12.
Variant type: single nucleotide variant.
Coding change: c.1786+6T>C on transcript NM_006206.6 (MANE Select); 6 bases into the intron after coding-DNA position 1786, T replaced by C.
Molecular consequence: intron variant.
Genome position (GRCh38, 1-based): chr4:54,274,979, T>C. VCF-style: chr4-54274979-T-C. GRCh37 (hg19) VCF-style: chr4-55141146-T-C.
Other names: c.1861+6T>C (NM_001347828.2); c.1786+6T>C (NM_001347827.2, NM_001347829.2); c.1825+6T>C (NM_001347830.2).
Identifiers: ClinVar variation 1971174 (VCV001971174.5), dbSNP rs2110300945, ClinGen allele CA2580071187.